The following is an entry in ClinVar:

NM_001353694.2(TIAM1):c.3010G>A (p.Ala1004Thr)

Gene: TIAM1 (TIAM Rac1 associated GEF 1; minus strand). Cytogenetic location: 21q22.11.
Variant type: single nucleotide variant.
Coding change: c.3010G>A on transcript NM_001353694.2 (MANE Select); coding-DNA position 3010, G replaced by A.
Protein change: p.Ala1004Thr; replaces alanine 1004 with threonine.
Molecular consequence: missense variant. On other transcripts: intron variant (2).
Genome position (GRCh38, 1-based): chr21:31,154,408, C>T on the plus strand (G>A on the coding strand, the complement: TIAM1 is on the minus strand). VCF-style: chr21-31154408-C-T. GRCh37 (hg19) VCF-style: chr21-32526726-C-T.
Other names: c.109G>A, p.Ala37Thr (NM_001353684.2); c.2935G>A, p.Ala979Thr (NM_001353687.2); c.3010G>A, p.Ala1004Thr (NM_001353688.1, NM_001353689.1, NM_001353690.1 and 4 more transcripts); c.2992-57G>A (NM_001353686.2); c.91-57G>A (NM_001353685.2); c.3010G>A (NM_003253.2); short protein forms A1004T, A37T, A979T.
Identifiers: ClinVar variation 3778134 (VCV003778134.8).

ClinVar aggregate classification (germline): Uncertain significance. Review status: criteria provided, multiple submitters, no conflicts (2 of 4 stars). 2 submissions from 2 submitters: Uncertain significance (2). Last evaluated 2025-05-26.

gnomAD v4.1: 26 of 1,613,784 alleles (0.0016%); highest among the groups gnomAD compares: East Asian, 0.0045%; no homozygotes.

Submissions (2):

Ambry Genetics
Classification: Uncertain significance. Last evaluated: 2025-05-26. Review status: criteria provided, single submitter. Criteria: Ambry Variant Classification Scheme 2023. Collection method: clinical testing. Allele origin: germline.

CeGaT Center for Human Genetics Tuebingen
Classification: Uncertain significance. Last evaluated: 2025-03-01. Review status: criteria provided, single submitter. Criteria: CeGaT Center For Human Genetics Tuebingen Variant Classification Criteria Version 2. Collection method: clinical testing. Allele origin: germline. Affected: yes. Observed: 1 variant allele.
Comment: TIAM1: PM2, BP4